The following is an entry in ClinVar:

NM_001379286.1(ZNF423):c.3292G>A (p.Gly1098Ser)

Gene: ZNF423 (zinc finger protein 423; minus strand). Cytogenetic location: 16q12.1.
Variant type: single nucleotide variant.
Coding change: c.3292G>A on transcript NM_001379286.1 (MANE Select); coding-DNA position 3292, G replaced by A.
Protein change: p.Gly1098Ser; replaces glycine 1098 with serine.
Molecular consequence: missense variant.
Genome position (GRCh38, 1-based): chr16:49,635,884, C>T on the plus strand (G>A on the coding strand, the complement: ZNF423 is on the minus strand). VCF-style: chr16-49635884-C-T. GRCh37 (hg19) VCF-style: chr16-49669795-C-T.
Other names: c.3088G>A, p.Gly1030Ser (NM_001271620.2); c.2917G>A, p.Gly973Ser (NM_001330533.2); c.3268G>A, p.Gly1090Ser (NM_015069.5); c.3268G>A (NM_015069.2); short protein forms G973S, G1098S, G1030S, G1090S.
Identifiers: ClinVar variation 2740105 (VCV002740105.4), dbSNP rs769162672, ClinGen allele CA8046346.

ClinVar aggregate classification (germline): Uncertain significance. Review status: criteria provided, multiple submitters, no conflicts (2 of 4 stars). 2 submissions from 2 submitters: Uncertain significance (2). Last evaluated 2025-07-01.

Conditions:
Nephronophthisis 14 (NPHP14). Identifiers: Orphanet 2318, MedGen C3539071, MONDO:0013916, OMIM 614844.

Allele frequency attached by ClinVar (database versions not stated): TOPMed below 0.00001; ExAC 0.00007.
gnomAD v4.1: 15 of 1,583,356 alleles (0.00095%); highest among the groups gnomAD compares: Non-Finnish European, 0.0011%; no homozygotes.

Submissions (2):

Ambry Genetics
Classification: Uncertain significance. Last evaluated: 2025-07-01. Review status: criteria provided, single submitter. Criteria: Ambry Variant Classification Scheme 2023. Collection method: clinical testing. Allele origin: germline.

Labcorp Genetics (formerly Invitae), Labcorp
Classification: Uncertain significance for Nephronophthisis 14. Last evaluated: 2024-10-23. Review status: criteria provided, single submitter. Criteria: Invitae Variant Classification Sherloc (09022015). Collection method: clinical testing. Allele origin: germline.
Comment: This sequence change replaces glycine, which is neutral and non-polar, with serine, which is neutral and polar, at codon 1090 of the ZNF423 protein (p.Gly1090Ser). This variant is present in population databases (rs769162672, gnomAD 0.007%). This variant has not been reported in the literature in individuals affected with ZNF423-related conditions. Invitae Evidence Modeling of protein sequence and biophysical properties (such as structural, functional, and spatial information, amino acid conservation, physicochemical variation, residue mobility, and thermodynamic stability) indicates that this missense variant is not expected to disrupt ZNF423 protein function with a negative predictive value of 80%. In summary, the available evidence is currently insufficient to determine the role of this variant in disease. Therefore, it has been classified as a Variant of Uncertain Significance.